The following is an entry in ClinVar:

ClinVar aggregate classification (germline): Uncertain significance (1 of 4 stars; one submission).

Allele frequency attached by ClinVar (database versions not stated): gnomAD exomes below 0.00001; TOPMed below 0.00001; ExAC 0.00001; gnomAD 0.00001.
gnomAD v4.1: 3 of 1,612,984 alleles (0.00019%); highest among the groups gnomAD compares: Admixed American, 0.0033%; no homozygotes.

Submission:

Labcorp Genetics (formerly Invitae), Labcorp
Classification: Uncertain significance. Last evaluated: 2022-04-28. Review status: criteria provided, single submitter. Criteria: Invitae Variant Classification Sherloc (09022015). Collection method: clinical testing. Allele origin: germline.
Comment: This sequence change replaces aspartic acid, which is acidic and polar, with asparagine, which is neutral and polar, at codon 116 of the NEU1 protein (p.Asp116Asn). This variant is present in population databases (rs756785843, gnomAD 0.006%). This variant has not been reported in the literature in individuals affected with NEU1-related conditions. Algorithms developed to predict the effect of missense changes on protein structure and function output the following: SIFT: "Deleterious"; PolyPhen-2: "Benign"; Align-GVGD: "Class C0". The asparagine amino acid residue is found in multiple mammalian species, which suggests that this missense change does not adversely affect protein function. In summary, the available evidence is currently insufficient to determine the role of this variant in disease. Therefore, it has been classified as a Variant of Uncertain Significance.

NM_000434.4(NEU1):c.346G>A (p.Asp116Asn)

Gene: NEU1 (neuraminidase 1; minus strand). Cytogenetic location: 6p21.33.
Variant type: single nucleotide variant.
Coding change: c.346G>A on transcript NM_000434.4 (MANE Select); coding-DNA position 346, G replaced by A.
Protein change: p.Asp116Asn; replaces aspartic acid 116 with asparagine.
Molecular consequence: missense variant.
Genome position (GRCh38, 1-based): chr6:31,862,005, C>T on the plus strand (G>A on the coding strand, the complement: NEU1 is on the minus strand). VCF-style: chr6-31862005-C-T. GRCh37 (hg19) VCF-style: chr6-31829782-C-T.
Other names: short protein forms D116N.
Identifiers: ClinVar variation 2014614 (VCV002014614.1), dbSNP rs756785843, ClinGen allele CA3725057.